The following is an entry in ClinVar:

NM_152415.3(VPS37A):c.315+76G>C

Gene: VPS37A (VPS37A subunit of ESCRT-I; plus strand). Cytogenetic location: 8p22.
Variant type: single nucleotide variant.
Coding change: c.315+76G>C on transcript NM_152415.3 (MANE Select); 76 bases into the intron after coding-DNA position 315, G replaced by C.
Molecular consequence: intron variant.
Genome position (GRCh38, 1-based): chr8:17,268,448, G>C. VCF-style: chr8-17268448-G-C. GRCh37 (hg19) VCF-style: chr8-17125957-G-C.
Other names: c.45+76G>C (NM_001363172.2, NM_001363168.1, NM_001363170.1 and 2 more transcripts); c.315+76G>C (NM_001363173.2, NM_001363167.1); c.240+76G>C (NM_001145152.2).
Identifiers: ClinVar variation 672301 (VCV000672301.2), dbSNP rs73200948, ClinGen allele CA12890680.
Genomic context (GRCh38, chr8:17,268,448, plus strand): 5'-AATTTATTTCAGGGTAATATAATAGGTGTATTACTTTTCTACTAAATATTTTAGAAATCT[G>C]AAATGCATTTAAAGTTTCATTTTGTCATGAGTACTTTTTTTAAAAATTGAATATTTAAGA-3'

ClinVar aggregate classification (germline): Benign. Review status: criteria provided, multiple submitters, no conflicts (2 of 4 stars). 2 submissions from 2 submitters: Benign (2). Last evaluated 2018-06-16.

Allele frequency attached by ClinVar (database versions not stated): gnomAD 0.07749 and 0.08292; TOPMed 0.07784; 1000 Genomes Project 30x 0.09541; 1000 Genomes Project 0.09884; gnomAD exomes 0.10780.
gnomAD v4.1: 116,820 of 1,117,654 alleles (10%); highest among the groups gnomAD compares: South Asian, 20%; 6,974 homozygotes.

Submissions (2):

GeneDx
Classification: Benign. Last evaluated: 2018-06-16. Review status: criteria provided, single submitter. Criteria: GeneDx Variant Classification (06012015). Collection method: clinical testing. Allele origin: germline. Affected: yes.
Comment: This variant is considered likely benign or benign based on one or more of the following criteria: it is a conservative change, it occurs at a poorly conserved position in the protein, it is predicted to be benign by multiple in silico algorithms, and/or has population frequency not consistent with disease.

Breakthrough Genomics
Classification: Benign. Review status: criteria provided, single submitter. Criteria: ACMG Guidelines, 2015. Collection method: not provided. Allele origin: germline. Inheritance: Autosomal recessive inheritance. Affected: yes.